The following is an entry in ClinVar:

ClinVar aggregate classification (germline): Uncertain significance. Review status: criteria provided, multiple submitters, no conflicts (2 of 4 stars). 3 submissions from 3 submitters: Uncertain significance (3). Last evaluated 2022-10-26.

Conditions:
Emery-Dreifuss muscular dystrophy 4, autosomal dominant (EDMD4). Also called: EMERY-DREIFUSS MUSCULAR DYSTROPHY 4 WITH VARIABLE FEATURES. Identifiers: Orphanet 261, MedGen C2751807, MONDO:0013071, OMIM 612998.
Autosomal recessive ataxia, Beauce type. Also called: Spinocerebellar ataxia, autosomal recessive 8; ATAXIA, RECESSIVE, OF BEAUCE; SYNE1-Related Autosomal Recessive Cerebellar Ataxia; SYNE1 Deficiency. Identifiers: Orphanet 88644, MedGen C1853116, MONDO:0012549, OMIM 610743.

Allele frequency attached by ClinVar (database versions not stated): TOPMed 0.00001; gnomAD exomes 0.00002 and 0.00001; ExAC 0.00001; gnomAD 0.00001.
gnomAD v4.1: 16 of 1,613,998 alleles (0.00099%); highest among the groups gnomAD compares: East Asian, 0.0022%; no homozygotes.

Submissions (3):

Labcorp Genetics (formerly Invitae), Labcorp
Classification: Uncertain significance for Emery-Dreifuss muscular dystrophy 4, autosomal dominant; Autosomal recessive ataxia, Beauce type. Last evaluated: 2022-10-26. Review status: criteria provided, single submitter. Criteria: Invitae Variant Classification Sherloc (09022015). Collection method: clinical testing. Allele origin: germline.
Comment: This sequence change replaces arginine, which is basic and polar, with histidine, which is basic and polar, at codon 7364 of the SYNE1 protein (p.Arg7364His). This variant is present in population databases (rs748260996, gnomAD 0.007%). This variant has not been reported in the literature in individuals affected with SYNE1-related conditions. ClinVar contains an entry for this variant (Variation ID: 448579). Algorithms developed to predict the effect of missense changes on protein structure and function (SIFT, PolyPhen-2, Align-GVGD) all suggest that this variant is likely to be disruptive. In summary, the available evidence is currently insufficient to determine the role of this variant in disease. Therefore, it has been classified as a Variant of Uncertain Significance.

Eurofins Ntd Llc (ga)
Classification: Uncertain significance. Last evaluated: 2017-06-27. Review status: criteria provided, single submitter. Criteria: EGL Classification Definitions 2015. Collection method: clinical testing. Allele origin: germline. Observed: 1 variant allele, 1 heterozygote.

Athena Diagnostics
Classification: Uncertain significance. Last evaluated: 2016-11-22. Review status: criteria provided, single submitter. Criteria: Athena Diagnostics Criteria. Collection method: clinical testing. Allele origin: germline.

NM_182961.4(SYNE1):c.22304G>A (p.Arg7435His)

Gene: SYNE1 (spectrin repeat containing nuclear envelope protein 1; minus strand). Cytogenetic location: 6q25.2.
Variant type: single nucleotide variant.
Coding change: c.22304G>A on transcript NM_182961.4 (MANE Select); coding-DNA position 22304, G replaced by A.
Protein change: p.Arg7435His; replaces arginine 7435 with histidine.
Molecular consequence: missense variant.
Genome position (GRCh38, 1-based): chr6:152,214,948, C>T on the plus strand (G>A on the coding strand, the complement: SYNE1 is on the minus strand). VCF-style: chr6-152214948-C-T. GRCh37 (hg19) VCF-style: chr6-152536083-C-T.
Other names: c.22091G>A, p.Arg7364His (NM_033071.5); short protein forms R7364H, R7435H.
Identifiers: ClinVar variation 448579 (VCV000448579.10), dbSNP rs748260996, ClinGen allele CA4053913.